The following is an entry in ClinVar:

ClinVar aggregate classification (germline): Uncertain significance (1 of 4 stars; one submission).

Conditions:
Marfan syndrome (MFS). Also called: MARFAN SYNDROME, TYPE I; Marfan syndrome type 1; Marfan's syndrome; Marfan syndrome, classic; FBN1-Related Marfan Syndrome. Identifiers: Orphanet 284963, Orphanet 558, MedGen C0024796, MONDO:0007947, OMIM 154700.

Submission:

All of Us Research Program, National Institutes of Health
Classification: Uncertain significance for Marfan syndrome. Last evaluated: 2023-10-27. Review status: criteria provided, single submitter. Criteria: ACMG Guidelines, 2015. Collection method: clinical testing. Allele origin: germline. Inheritance: Autosomal dominant inheritance. Observed: 1 variant allele, 1 heterozygote.
Comment: This study involves interpretation of variants in research participants for the purpose of population health screening. Participant phenotype was not available at the time of variant classification. Additional details can be found in publication PMID: 35346344, PMCID: PMC8962531

NM_000138.5(FBN1):c.5772CAA[1] (p.Asn1926del)

Gene: FBN1 (fibrillin 1; minus strand). Cytogenetic location: 15q21.1.
Variant type: Microsatellite.
Coding change: c.5772CAA[1] on transcript NM_000138.5 (MANE Select); one copy of the 3-base unit CAA starting at c.5772; the reference has two copies in a row; one copy, 3 bases deleted.
Protein change: p.Asn1926del; deletes asparagine 1926.
Molecular consequence: inframe deletion.
Genome position (GRCh38, 1-based): chr15:48,446,717-48,446,719, TTG deleted on the plus strand (CAA on the coding strand, the reverse complement: FBN1 is on the minus strand); deleting any 3 consecutive bases within chr15:48,446,717-48,446,723 gives the same sequence; the position shown is the placement nearest the transcript's 3' end. VCF-style (leftmost placement, unchanged base first): chr15-48446716-ATTG-A. GRCh37 (hg19) VCF-style: chr15-48738913-ATTG-A.
Other names: c.5772CAA[1], p.Asn1926del (NM_001406716.1); short protein forms N1926del.
Identifiers: ClinVar variation 3074223 (VCV003074223.1), dbSNP rs2505458230, ClinGen allele CA2825002263.